The following is an entry in ClinVar:

NM_000064.4(C3):c.4193C>G (p.Ala1398Gly)

Gene: C3 (complement C3; minus strand). Cytogenetic location: 19p13.3.
Variant type: single nucleotide variant.
Coding change: c.4193C>G on transcript NM_000064.4 (MANE Select); coding-DNA position 4193, C replaced by G.
Protein change: p.Ala1398Gly; replaces alanine 1398 with glycine.
Molecular consequence: missense variant.
Genome position (GRCh38, 1-based): chr19:6,682,209, G>C on the plus strand (C>G on the coding strand, the complement: C3 is on the minus strand). VCF-style: chr19-6682209-G-C. GRCh37 (hg19) VCF-style: chr19-6682220-G-C.
Other names: short protein forms A1398G.
Identifiers: ClinVar variation 1345571 (VCV001345571.8), dbSNP rs2145393548, ClinGen allele CA403615502.

ClinVar aggregate classification (germline): Uncertain significance (1 of 4 stars; one submission).

Submission:

Labcorp Genetics (formerly Invitae), Labcorp
Classification: Uncertain significance. Last evaluated: 2023-01-31. Review status: criteria provided, single submitter. Criteria: Invitae Variant Classification Sherloc (09022015). Collection method: clinical testing. Allele origin: germline.
Comment: This variant has not been reported in the literature in individuals affected with C3-related conditions. In summary, the available evidence is currently insufficient to determine the role of this variant in disease. Therefore, it has been classified as a Variant of Uncertain Significance. Advanced modeling of protein sequence and biophysical properties (such as structural, functional, and spatial information, amino acid conservation, physicochemical variation, residue mobility, and thermodynamic stability) performed at Invitae indicates that this missense variant is expected to disrupt C3 protein function. ClinVar contains an entry for this variant (Variation ID: 1345571). This variant is not present in population databases (gnomAD no frequency). This sequence change replaces alanine, which is neutral and non-polar, with glycine, which is neutral and non-polar, at codon 1398 of the C3 protein (p.Ala1398Gly).